The following is an entry in ClinVar:

NM_177438.3(DICER1):c.3312_3313dup (p.Lys1105fs)

Gene: DICER1 (dicer 1, ribonuclease III; minus strand). Cytogenetic location: 14q32.13.
Variant type: Duplication.
Coding change: c.3312_3313dup on transcript NM_177438.3 (MANE Select); coding-DNA positions 3312 to 3313, 2 bases duplicated (CA; older notation c.3312_3313dupCA).
Protein change: p.Lys1105fs; shifts the reading frame from lysine 1105.
Molecular consequence: frameshift variant.
Genome position (GRCh38, 1-based): chr14:95,104,083-95,104,084, TG duplicated on the plus strand (CA on the coding strand, the reverse complement: DICER1 is on the minus strand). VCF-style (leftmost placement, unchanged base first): chr14-95104082-T-TTG. GRCh37 (hg19) VCF-style: chr14-95570419-T-TTG.
Other names: c.3312_3313dup, p.Lys1105fs (NM_001195573.1, NM_001271282.3, NM_001291628.2 and 1 more transcripts); short protein forms K1105fs.
Identifiers: ClinVar variation 932981 (VCV000932981.3), dbSNP rs1891189470, ClinGen allele CA1139663632.

ClinVar aggregate classification (germline): Pathogenic (1 of 4 stars; one submission).

Conditions:
DICER1-related tumor predisposition. Also called: DICER1-related pleuropulmonary blastoma cancer predisposition syndrome; DICER1 syndrome. Identifiers: Orphanet 284343, MedGen C3839822, MONDO:0100216.

Submission:

Foulkes Cancer Genetics LDI, Lady Davis Institute for Medical Research
Classification: Pathogenic for Pleuropulmonary blastoma. Last evaluated: 2019-07-01. Review status: criteria provided, single submitter. Criteria: ACMG Guidelines, 2015. Collection method: curation. Allele origin: unknown. Affected: yes. Observed: 1 variant allele.
Comment: ACMG criteria met: PVS1, PM2, PM7

Literature cited by the submitters: PubMed 29881993.